The following is an entry in ClinVar:

NM_198291.3(SRC):c.875C>A (p.Thr292Asn)

Gene: SRC (SRC proto-oncogene, non-receptor tyrosine kinase; plus strand). Cytogenetic location: 20q11.23.
Variant type: single nucleotide variant.
Coding change: c.875C>A on transcript NM_198291.3 (MANE Select); coding-DNA position 875, C replaced by A.
Protein change: p.Thr292Asn; replaces threonine 292 with asparagine.
Molecular consequence: missense variant.
Genome position (GRCh38, 1-based): chr20:37,400,130, C>A. VCF-style: chr20-37400130-C-A. GRCh37 (hg19) VCF-style: chr20-36028533-C-A.
Other names: c.875C>A, p.Thr292Asn (NM_005417.5); short protein forms T292N.
Identifiers: ClinVar variation 1124551 (VCV001124551.12), dbSNP rs111844926, ClinGen allele CA9847922.
Genomic context (GRCh38, chr20:37,400,130, plus strand): 5'-GAGTTGGGGGGCTCCACTGAGTCAGCCTGCATCCCTCCTCAACAGGGACCTGGAACGGTA[C>A]CACCAGGGTGGCCATCAAAACCCTGAAGCCTGGCACGATGTCTCCAGAGGCCTTCCTGCA-3'
Protein context (NP_938033.1, residues 282-302): GEVWMGTWNG[Thr292Asn]TRVAIKTLKP

ClinVar aggregate classification (germline): Likely benign. Review status: criteria provided, multiple submitters, no conflicts (2 of 4 stars). 4 submissions from 4 submitters: Likely benign (3). 1 of the submissions does not count toward it. Last evaluated 2022-02-03.

Conditions:
SRC-related disorder. Also called: SRC-related condition.

Allele frequency attached by ClinVar (database versions not stated): ESP Exome Variant Server 0.00023; gnomAD 0.00043 and 0.00046; TOPMed 0.00045.
gnomAD v4.1: 119 of 1,610,128 alleles (0.0074%); highest among the groups gnomAD compares: African/African-American, 0.12%; no homozygotes.

Submissions (4):

Blueprint Genetics
Classification: Likely benign. Last evaluated: 2022-02-03. Review status: criteria provided, single submitter. Criteria: ACMG Guidelines, 2015. Collection method: clinical testing. Allele origin: germline.

Labcorp Genetics (formerly Invitae), Labcorp
Classification: Likely benign. Last evaluated: 2019-12-07. Review status: criteria provided, single submitter. Criteria: Invitae Variant Classification Sherloc (09022015). Collection method: clinical testing. Allele origin: germline.

Genetic Services Laboratory, University of Chicago
Classification: Likely benign. Last evaluated: 2017-11-02. Review status: criteria provided, single submitter. Criteria: ACMG Guidelines, 2015. Collection method: clinical testing. Allele origin: germline. Affected: no.

PreventionGenetics, part of Exact Sciences
Classification: Likely benign for SRC-related condition. Last evaluated: 2022-07-28. Review status: no assertion criteria provided. Collection method: clinical testing. Allele origin: germline. Not counted in ClinVar's aggregate classification.
Comment: This variant is classified as likely benign based on ACMG/AMP sequence variant interpretation guidelines (Richards et al. 2015 PMID: 25741868, with internal and published modifications).